The following is an entry in ClinVar:

NM_003384.3(VRK1):c.104dup (p.Glu36fs)

Gene: VRK1 (VRK serine/threonine kinase 1; plus strand). Cytogenetic location: 14q32.2.
Variant type: Duplication.
Coding change: c.104dup on transcript NM_003384.3 (MANE Select); coding-DNA position 104, one base duplicated (A; older notation c.104dupA).
Protein change: p.Glu36fs; shifts the reading frame from glutamic acid 36.
Molecular consequence: frameshift variant.
Genome position (GRCh38, 1-based): chr14:96,833,575, A duplicated; the last of 6 consecutive A bases (chr14:96,833,570-96,833,575); duplicating any one gives the same sequence. VCF-style (leftmost placement, unchanged base first): chr14-96833569-C-CA. GRCh37 (hg19) VCF-style: chr14-97299906-C-CA.
Other names: c.104dup, p.Glu36fs (NM_001411051.1, NM_001411053.1); short protein forms E36fs.
Identifiers: ClinVar variation 5013637 (VCV005013637.1).

ClinVar aggregate classification (germline): Pathogenic (1 of 4 stars; one submission).

Conditions:
Pontocerebellar hypoplasia type 1A (PCH1A). Also called: PONTOCEREBELLAR HYPOPLASIA WITH ANTERIOR HORN CELL DISEASE; PONTOCEREBELLAR HYPOPLASIA WITH INFANTILE SPINAL MUSCULAR ATROPHY. Identifiers: Orphanet 2254, Orphanet 88616, MedGen C1843504, MONDO:0011866, OMIM 607596.

Submission:

Myriad Genetics, Inc.
Classification: Pathogenic for Pontocerebellar hypoplasia type 1A. Last evaluated: 2024-10-12. Review status: criteria provided, single submitter. Criteria: Myriad Autosomal Dominant, Autosomal Recessive and X-Linked Classification Criteria (2023). Collection method: clinical testing. Allele origin: unknown.
Comment: NM_003384.2(VRK1):c.104dupA(E36Gfs*20) is expected to be pathogenic in the context of pontocerebellar hypoplasia, VRK1-related. This variant is predicted to lead to an abnormal or absent protein product due to the creation of a premature termination codon in VRK1, a gene where loss-of-function variants are known to be pathogenic. Please note: this variant was assessed in the context of healthy population screening.